The following is an entry in ClinVar:

NM_007294.4(BRCA1):c.2198dup (p.Lys734fs)

Gene: BRCA1 (BRCA1 DNA repair associated; minus strand). Cytogenetic location: 17q21.31.
Variant type: Duplication.
Coding change: c.2198dup on transcript NM_007294.4 (MANE Select); coding-DNA position 2198, one base duplicated (A; older notation c.2198dupA).
Protein change: p.Lys734fs; shifts the reading frame from lysine 734.
Molecular consequence: frameshift variant. On other transcripts: intron variant (137).
Genome position (GRCh38, 1-based): chr17:43,093,333, T duplicated on the plus strand (A on the coding strand, the reverse complement: BRCA1 is on the minus strand). VCF-style (leftmost placement, unchanged base first): chr17-43093332-C-CT. GRCh37 (hg19) VCF-style: chr17-41245349-C-CT.
Other names: 2317insA; c.1985dup, p.Lys663fs (NM_001407571.1, NM_001407853.1, NM_001407894.1 and 9 more transcripts); c.2198dup, p.Lys734fs (NM_001407581.1, NM_001407582.1, NM_001407583.1 and 30 more transcripts); c.2195dup, p.Lys733fs (NM_001407587.1, NM_001407590.1, NM_001407591.1 and 22 more transcripts); c.2189dup, p.Lys731fs (NM_001407646.1, NM_001407647.1); c.2075dup, p.Lys693fs (NM_001407648.1, NM_001407664.1, NM_001407665.1 and 19 more transcripts); c.2072dup, p.Lys692fs (NM_001407649.1, NM_001407670.1, NM_001407671.1 and 11 more transcripts); c.2120dup, p.Lys708fs (NM_001407653.1, NM_001407654.1, NM_001407655.1 and 4 more transcripts); and 42 more; short protein forms K734fs, K687fs, K566fs, K606fs, K663fs, K692fs, K708fs, K731fs.
Identifiers: ClinVar variation 266235 (VCV000266235.6), dbSNP rs886040012, ClinGen allele CA10589877.

ClinVar aggregate classification (germline): Pathogenic. Review status: reviewed by expert panel (3 of 4 stars). 2 submissions from 2 submitters: Pathogenic (1). 1 of the submissions does not count toward it. Last evaluated 2016-10-18.

Conditions:
Breast-ovarian cancer, familial, susceptibility to, 1 (BROVCA1). Also called: BRCA1 Hereditary Breast and Ovarian Cancer; OVARIAN CANCER, SUSCEPTIBILITY TO. Identifiers: Orphanet 145, MedGen C2676676, MONDO:0011450, OMIM 604370. Disease mechanism: loss of function.

Submissions (2):

Evidence-based Network for the Interpretation of Germline Mutant Alleles (ENIGMA)
Classification: Pathogenic for Breast-ovarian cancer, familial, susceptibility to, 1. Last evaluated: 2016-10-18. Review status: reviewed by expert panel. Criteria: ENIGMA BRCA1/2 Classification Criteria (2015). Collection method: curation. Allele origin: germline.
Comment: Variant allele predicted to encode a truncated non-functional protein.

Consortium of Investigators of Modifiers of BRCA1/2 (CIMBA), c/o University of Cambridge
Classification: Pathogenic for Breast-ovarian cancer, familial, susceptibility to, 1. Last evaluated: 2015-10-02. Review status: criteria provided, single submitter. Criteria: CIMBA Mutation Classification guidelines May 2016. Collection method: clinical testing. Allele origin: germline. Not counted in ClinVar's aggregate classification.